The following is an entry in ClinVar:

NM_000135.4(FANCA):c.865T>A (p.Ser289Thr)

Gene: FANCA (FA complementation group A; minus strand). Cytogenetic location: 16q24.3.
Variant type: single nucleotide variant.
Coding change: c.865T>A on transcript NM_000135.4 (MANE Select); coding-DNA position 865, T replaced by A.
Protein change: p.Ser289Thr; replaces serine 289 with threonine.
Molecular consequence: missense variant.
Genome position (GRCh38, 1-based): chr16:89,799,194, A>T on the plus strand (T>A on the coding strand, the complement: FANCA is on the minus strand). VCF-style: chr16-89799194-A-T. GRCh37 (hg19) VCF-style: chr16-89865602-A-T.
Other names: c.865T>A, p.Ser289Thr (NM_001018112.3, NM_001286167.3); c.769T>A, p.Ser257Thr (NM_001351830.2); short protein forms S257T, S289T.
Identifiers: ClinVar variation 3581562 (VCV003581562.2).
Genomic context (GRCh38, chr16:89,799,194, plus strand): 5'-CACACTCAGGCAGGCCACCCTCAGGAACATACCAGCACCTCACGATCTTGTGAGTGGAGG[A>T]CTCCTCCTGTACTCCAGCAGCCAAAGCGTCAAGTGCAACTGAAGACAGAGCCAGGAACAG-3'
Protein context (NP_000126.2, residues 279-299): DALAAGVQEE[Ser289Thr]STHKIVRCWF

ClinVar aggregate classification (germline): Uncertain significance. Review status: criteria provided, multiple submitters, no conflicts (2 of 4 stars). 2 submissions from 2 submitters: Uncertain significance (2). Last evaluated 2025-10-11.

Conditions:
Inborn genetic diseases. Identifiers: MedGen C0950123, MeSH D030342.
Fanconi anemia complementation group A (FANCA). Also called: FANCA-Related Fanconi Anemia; Fanconi anemia, group A. Identifiers: Orphanet 84, MedGen C3469521, MONDO:0009215, OMIM 227650.

gnomAD v4.1: 1 of 1,614,046 alleles (0.000062%); highest among the groups gnomAD compares: South Asian, 0.0011%; no homozygotes.

Submissions (2):

Ambry Genetics
Classification: Uncertain significance for Inborn genetic diseases. Last evaluated: 2025-10-11. Review status: criteria provided, single submitter. Criteria: Ambry Variant Classification Scheme 2023. Collection method: clinical testing. Allele origin: germline.
Comment: The p.S289T variant (also known as c.865T>A), located in coding exon 10 of the FANCA gene, results from a T to A substitution at nucleotide position 865. The serine at codon 289 is replaced by threonine, an amino acid with similar properties. This amino acid position is conserved. In addition, this alteration is predicted to be tolerated by in silico analysis. Based on the available evidence, the clinical significance of this variant remains unclear.

Fulgent Genetics
Classification: Uncertain significance for Fanconi anemia complementation group A. Last evaluated: 2024-03-31. Review status: criteria provided, single submitter. Criteria: ACMG Guidelines, 2015. Collection method: clinical testing. Allele origin: germline.